The following is an entry in ClinVar:

NM_000032.5(ALAS2):c.878G>A (p.Arg293His)

Gene: ALAS2 (5'-aminolevulinate synthase 2; minus strand). Cytogenetic location: Xp11.21.
Variant type: single nucleotide variant.
Coding change: c.878G>A on transcript NM_000032.5 (MANE Select); coding-DNA position 878, G replaced by A.
Protein change: p.Arg293His; replaces arginine 293 with histidine.
Molecular consequence: missense variant.
Genome position (GRCh38, 1-based): chrX:55,017,611, C>T on the plus strand (G>A on the coding strand, the complement: ALAS2 is on the minus strand). VCF-style: chrX-55017611-C-T. GRCh37 (hg19) VCF-style: chrX-55044044-C-T.
Other names: c.767G>A, p.Arg256His (NM_001037967.4); c.839G>A, p.Arg280His (NM_001037968.4); short protein forms R256H, R280H, R293H.
Identifiers: ClinVar variation 3623094 (VCV003623094.2).
Genomic context (GRCh38, chrX:55,017,611, plus strand): 5'-AGTTTCTTTAGGTGGTCAGGGTCATTGTGCCTGAAGACAAACTTGGCTGCTCCACTGTTA[C>T]GGATACCTTGGATCATGGAAGCATGGTTGCCTGCGTCTGAGTAAATCTCGCACCCTGAGG-3'
Protein context (NP_000023.2, residues 283-303): GNHASMIQGI[Arg293His]NSGAAKFVFR

ClinVar aggregate classification (germline): Uncertain significance (1 of 4 stars; one submission).

gnomAD v4.1: 20 of 1,209,788 alleles (0.0017%); highest among the groups gnomAD compares: South Asian, 0.007%; no homozygotes.

Submission:

Labcorp Genetics (formerly Invitae), Labcorp
Classification: Uncertain significance. Last evaluated: 2024-11-15. Review status: criteria provided, single submitter. Criteria: Invitae Variant Classification Sherloc (09022015). Collection method: clinical testing. Allele origin: germline.
Comment: This sequence change replaces arginine, which is basic and polar, with histidine, which is basic and polar, at codon 293 of the ALAS2 protein (p.Arg293His). This variant is present in population databases (rs376961603, gnomAD 0.02%). This variant has not been reported in the literature in individuals affected with ALAS2-related conditions. Invitae Evidence Modeling of protein sequence and biophysical properties (such as structural, functional, and spatial information, amino acid conservation, physicochemical variation, residue mobility, and thermodynamic stability) has been performed for this missense variant. However, the output from this modeling did not meet the statistical confidence thresholds required to predict the impact of this variant on ALAS2 protein function. In summary, the available evidence is currently insufficient to determine the role of this variant in disease. Therefore, it has been classified as a Variant of Uncertain Significance.